The following is an entry in ClinVar:

NM_173354.5(SIK1):c.1595C>T (p.Ala532Val)

Gene: SIK1 (salt inducible kinase 1; minus strand). Cytogenetic location: 21q22.3.
Variant type: single nucleotide variant.
Coding change: c.1595C>T on transcript NM_173354.5 (MANE Select); coding-DNA position 1595, C replaced by T.
Protein change: p.Ala532Val; replaces alanine 532 with valine.
Molecular consequence: missense variant.
Genome position (GRCh38, 1-based): chr21:43,418,409, G>A on the plus strand (C>T on the coding strand, the complement: SIK1 is on the minus strand). VCF-style: chr21-43418409-G-A. GRCh37 (hg19) VCF-style: chr21-44838289-G-A.
Other names: short protein forms A532V.
Identifiers: ClinVar variation 1487141 (VCV001487141.10), dbSNP rs374747938, ClinGen allele CA321325420.

ClinVar aggregate classification (germline): Uncertain significance (1 of 4 stars; one submission).

Conditions:
Developmental and epileptic encephalopathy, 30 (DEE30). Also called: Epileptic encephalopathy, early infantile, 30. Identifiers: MedGen C4225360, MONDO:0014595, OMIM 616341.

Submission:

Labcorp Genetics (formerly Invitae), Labcorp
Classification: Uncertain significance for Developmental and epileptic encephalopathy, 30. Last evaluated: 2023-04-17. Review status: criteria provided, single submitter. Criteria: Invitae Variant Classification Sherloc (09022015). Collection method: clinical testing. Allele origin: germline.
Comment: This sequence change replaces alanine, which is neutral and non-polar, with valine, which is neutral and non-polar, at codon 532 of the SIK1 protein (p.Ala532Val). This variant is not present in population databases (gnomAD no frequency). This variant has not been reported in the literature in individuals affected with SIK1-related conditions. ClinVar contains an entry for this variant (Variation ID: 1487141). Advanced modeling of protein sequence and biophysical properties (such as structural, functional, and spatial information, amino acid conservation, physicochemical variation, residue mobility, and thermodynamic stability) performed at Invitae indicates that this missense variant is not expected to disrupt SIK1 protein function. In summary, the available evidence is currently insufficient to determine the role of this variant in disease. Therefore, it has been classified as a Variant of Uncertain Significance.